The following is an entry in ClinVar:

ClinVar aggregate classification (germline): Benign. Review status: criteria provided, multiple submitters, no conflicts (2 of 4 stars). 16 submissions from 15 submitters: Benign (11). 5 of the submissions do not count toward it. Last evaluated 2026-02-04.

Conditions:
Cardiovascular phenotype. Identifiers: MedGen CN230736.
Dilated cardiomyopathy 1II (CMD1II). Identifiers: Orphanet 154, MedGen C3554649, MONDO:0014073, OMIM 615184.
Fatal infantile hypertonic myofibrillar myopathy (MFM2B). Also called: MYOPATHY, MYOFIBRILLAR, 2B, INFANTILE-ONSET; MFM, FATAL INFANTILE HYPERTONIC, ALPHA-B CRYSTALLIN-RELATED. Identifiers: Orphanet 280553, MedGen C5190691, MONDO:0013472, OMIM 613869.
Cataract 16 multiple types. Also called: CATARACT 16, POSTERIOR POLAR; CATARACT 16, CONGENITAL LAMELLAR; CATARACT, CONGENITAL LAMELLAR. Identifiers: Orphanet 91492, Orphanet 98992, Orphanet 98993, Orphanet 98995, MedGen C3808377, MONDO:0013411, OMIM 613763.

Allele frequency attached by ClinVar (database versions not stated): 1000 Genomes Project 0.00919; 1000 Genomes Project 30x 0.00968; TOPMed 0.01195; gnomAD 0.01303 and 0.01331; gnomAD exomes 0.01540 and 0.01922; ESP Exome Variant Server 0.01647; ExAC 0.01935.
gnomAD v4.1: 29,875 of 1,612,794 alleles (1.9%); highest among the groups gnomAD compares: South Asian, 2.6%; 349 homozygotes.

Submissions (16):

Labcorp Genetics (formerly Invitae), Labcorp
Classification: Benign for Dilated cardiomyopathy 1II. Last evaluated: 2026-02-04. Review status: criteria provided, single submitter. Criteria: Invitae Variant Classification Sherloc (09022015). Collection method: clinical testing. Allele origin: germline.

ARUP Laboratories, Molecular Genetics and Genomics, ARUP Laboratories
Classification: Benign. Last evaluated: 2025-06-25. Review status: criteria provided, single submitter. Criteria: ARUP Molecular Germline Variant Investigation Process 2024. Collection method: clinical testing. Allele origin: germline.

Athena Diagnostics
Classification: Benign. Last evaluated: 2024-05-14. Review status: criteria provided, single submitter. Criteria: Athena Diagnostics Criteria. Collection method: clinical testing. Allele origin: unknown.

Mayo Clinic Laboratories, Mayo Clinic
Classification: Benign. Last evaluated: 2023-02-14. Review status: criteria provided, single submitter. Criteria: ACMG Guidelines, 2015. Collection method: clinical testing. Allele origin: germline. Observed: 88 variant alleles.
Comment: BS1, BS2, BP4, BP7

Illumina Laboratory Services, Illumina
Classification: Benign for Cataract 16 multiple types. Last evaluated: 2018-01-13. Review status: criteria provided, single submitter. Criteria: ICSL Variant Classification Criteria 13 December 2019. Collection method: clinical testing. Allele origin: germline.
Comment: This variant was observed in the ICSL laboratory as part of a predisposition screen in an ostensibly healthy population. It had not been previously curated by ICSL or reported in the Human Gene Mutation Database (HGMD: prior to June 1st, 2018), and was therefore a candidate for classification through an automated scoring system. Utilizing variant allele frequency, disease prevalence and penetrance estimates, and inheritance mode, an automated score was calculated to assess if this variant is too frequent to cause the disease. Based on the score and internal cut-off values, a variant classified as benign is not then subjected to further curation. The score for this variant resulted in a classification of benign for this disease.

Illumina Laboratory Services, Illumina
Classification: Benign for Fatal infantile hypertonic myofibrillar myopathy. Last evaluated: 2018-01-13. Review status: criteria provided, single submitter. Criteria: ICSL Variant Classification Criteria 13 December 2019. Collection method: clinical testing. Allele origin: germline.
Comment: the same text as in the submission from Illumina Laboratory Services, Illumina above.

Ambry Genetics
Classification: Benign for Cardiovascular phenotype. Last evaluated: 2015-07-15. Review status: criteria provided, single submitter. Criteria: Ambry Variant Classification Scheme 2023. Collection method: clinical testing. Allele origin: germline.

GeneDx
Classification: Benign. Last evaluated: 2014-03-10. Review status: criteria provided, single submitter. Criteria: GeneDx Variant Classification (06012015). Collection method: clinical testing. Allele origin: germline. Affected: yes.
Comment: This variant is considered likely benign or benign based on one or more of the following criteria: it is a conservative change, it occurs at a poorly conserved position in the protein, it is predicted to be benign by multiple in silico algorithms, and/or has population frequency not consistent with disease.

Laboratory for Molecular Medicine, Mass General Brigham Personalized Medicine
Classification: Benign. Last evaluated: 2011-12-02. Review status: criteria provided, single submitter. Criteria: LMM Criteria. Collection method: clinical testing. Allele origin: germline. Observed: 58 variant alleles.
Comment: Leu55Leu in exon 1 of CRYAB: This variant is not expected to have clinical signi ficance because it does not alter an amino acid, is not located within the splic e consensus sequence, and has been identified in 1.5% (166/10758) of chromosomes from a broad, though clinically and ethnically unspecified population (dbSNP rs 2228387). Leu55Leu in exon 1 of CRYAB (rs2228387; allele frequency = 1.5%, 166/ 10758)

Breakthrough Genomics
Classification: Benign. Review status: criteria provided, single submitter. Criteria: ACMG Guidelines, 2015. Collection method: not provided. Allele origin: germline. Inheritance: Autosomal recessive inheritance. Affected: yes.

PreventionGenetics, part of Exact Sciences
Classification: Benign. Review status: criteria provided, single submitter. Criteria: ACMG Guidelines, 2015. Collection method: clinical testing. Allele origin: germline.

Clinical Genetics DNA and cytogenetics Diagnostics Lab, Erasmus MC, Erasmus Medical Center
Classification: Benign. Review status: no assertion criteria provided. Collection method: clinical testing. Allele origin: germline. Affected: yes. Study: VKGL Data-share Consensus. Not counted in ClinVar's aggregate classification.

Clinical Genetics, Academic Medical Center
Classification: Benign. Review status: no assertion criteria provided. Collection method: clinical testing. Allele origin: germline. Affected: yes. Study: VKGL Data-share Consensus. Not counted in ClinVar's aggregate classification.

Diagnostic Laboratory, Department of Genetics, University Medical Center Groningen
Classification: Likely benign. Review status: no assertion criteria provided. Collection method: clinical testing. Allele origin: germline. Affected: yes. Study: VKGL Data-share Consensus. Not counted in ClinVar's aggregate classification.

Genome Diagnostics Laboratory, University Medical Center Utrecht
Classification: Benign. Review status: no assertion criteria provided. Collection method: clinical testing. Allele origin: germline. Affected: yes. Study: VKGL Data-share Consensus. Not counted in ClinVar's aggregate classification.

Joint Genome Diagnostic Labs from Nijmegen and Maastricht, Radboudumc and MUMC+
Classification: Benign. Review status: no assertion criteria provided. Collection method: clinical testing. Allele origin: germline. Affected: yes. Study: VKGL Data-share Consensus. Not counted in ClinVar's aggregate classification.

Literature cited by the submitters: PubMed 28690483 (cited by Athena Diagnostics).

NM_001289808.2(CRYAB):c.165G>A (p.Leu55=)

Gene: CRYAB (crystallin alpha B; minus strand). Cytogenetic location: 11q23.1.
Variant type: single nucleotide variant.
Coding change: c.165G>A on transcript NM_001289808.2 (MANE Select); coding-DNA position 165, G replaced by A.
Protein change: p.Leu55=; no amino-acid change (leucine 55 retained).
Molecular consequence: synonymous variant.
Genome position (GRCh38, 1-based): chr11:111,911,560, C>T on the plus strand (G>A on the coding strand, the complement: CRYAB is on the minus strand). VCF-style: chr11-111911560-C-T. GRCh37 (hg19) VCF-style: chr11-111782284-C-T.
Other names: p.L55L:CTG>CTA; p.Leu55=; c.165G>A, p.Leu55= (NM_001289807.1, NM_001368245.1, NM_001885.3).
Identifiers: ClinVar variation 44233 (VCV000044233.47), dbSNP rs2228387, ClinGen allele CA282352.